The following is an entry in ClinVar:

NM_201253.3(CRB1):c.2684C>T (p.Pro895Leu)

Gene: CRB1 (crumbs cell polarity complex component 1; plus strand). Cytogenetic location: 1q31.3.
Variant type: single nucleotide variant.
Coding change: c.2684C>T on transcript NM_201253.3 (MANE Select); coding-DNA position 2684, C replaced by T.
Protein change: p.Pro895Leu; replaces proline 895 with leucine.
Molecular consequence: missense variant. On other transcripts: non-coding transcript variant (2), intron variant (1).
Genome position (GRCh38, 1-based): chr1:197,429,456, C>T. VCF-style: chr1-197429456-C-T. GRCh37 (hg19) VCF-style: chr1-197398586-C-T.
Other names: c.2348C>T, p.Pro783Leu (NM_001193640.2); c.2612C>T, p.Pro871Leu (NM_001257965.2); c.2129-6144C>T (NM_001257966.2); short protein forms P783L, P871L, P895L.
Identifiers: ClinVar variation 3250171 (VCV003250171.2).

ClinVar aggregate classification (germline): Uncertain significance. Review status: criteria provided, single submitter (1 of 4 stars). 2 submissions from 2 submitters: Uncertain significance (1). 1 of the submissions does not count toward it. Last evaluated 2025-04-14.

Conditions:
Retinal dystrophy. Also called: Inherited retinal dystrophy. Identifiers: Orphanet 71862, MedGen C0854723, MeSH D058499, MONDO:0019118, HP:0000556.
Leber congenital amaurosis 8 (LCA8). Identifiers: Orphanet 65, MedGen C3151202, MONDO:0013453, OMIM 613835.
Retinitis pigmentosa 12 (RP12). Also called: RP WITH OR WITHOUT PRESERVED PARAARTERIOLE RETINAL PIGMENT EPITHELIUM; RETINITIS PIGMENTOSA WITH OR WITHOUT PARAARTERIOLAR PRESERVATION OF RETINAL PIGMENT EPITHELIUM; RP WITH OR WITHOUT PPRPE. Identifiers: Orphanet 791, MedGen C1838647, MONDO:0010818, OMIM 600105.

Submissions (2):

Labcorp Genetics (formerly Invitae), Labcorp
Classification: Uncertain significance for Leber congenital amaurosis 8; Retinitis pigmentosa 12. Last evaluated: 2025-04-14. Review status: criteria provided, single submitter. Criteria: Invitae Variant Classification Sherloc (09022015). Collection method: clinical testing. Allele origin: germline.
Comment: This sequence change replaces proline, which is neutral and non-polar, with leucine, which is neutral and non-polar, at codon 895 of the CRB1 protein (p.Pro895Leu). This variant is not present in population databases (gnomAD no frequency). This variant has not been reported in the literature in individuals affected with CRB1-related conditions. ClinVar contains an entry for this variant (Variation ID: 3250171). Invitae Evidence Modeling of protein sequence and biophysical properties (such as structural, functional, and spatial information, amino acid conservation, physicochemical variation, residue mobility, and thermodynamic stability) has been performed for this missense variant. However, the output from this modeling did not meet the statistical confidence thresholds required to predict the impact of this variant on CRB1 protein function. In summary, the available evidence is currently insufficient to determine the role of this variant in disease. Therefore, it has been classified as a Variant of Uncertain Significance.

Institute of Human Genetics, Univ. Regensburg, Univ. Regensburg
Classification: Uncertain significance for Retinal dystrophy. Last evaluated: 2023-01-01. Review status: no assertion criteria provided. Criteria: ACMG Guidelines, 2015. Collection method: clinical testing. Allele origin: germline. Affected: yes. Not counted in ClinVar's aggregate classification.